The following is an entry in ClinVar:

NM_017654.4(SAMD9):c.1975G>T (p.Glu659Ter)

Gene: SAMD9 (sterile alpha motif domain containing 9; minus strand). Cytogenetic location: 7q21.2.
Variant type: single nucleotide variant.
Coding change: c.1975G>T on transcript NM_017654.4 (MANE Select); coding-DNA position 1975, G replaced by T.
Protein change: p.Glu659Ter; replaces glutamic acid 659 with a stop codon.
Molecular consequence: nonsense.
Genome position (GRCh38, 1-based): chr7:93,104,123, C>A on the plus strand (G>T on the coding strand, the complement: SAMD9 is on the minus strand). VCF-style: chr7-93104123-C-A. GRCh37 (hg19) VCF-style: chr7-92733436-C-A.
Other names: c.1975G>T, p.Glu659Ter (NM_001193307.2); short protein forms E659*.
Identifiers: ClinVar variation 3364303 (VCV003364303.1).

ClinVar aggregate classification (germline): Uncertain significance (1 of 4 stars; one submission).

Submission:

GeneDx
Classification: Uncertain significance. Last evaluated: 2023-11-14. Review status: criteria provided, single submitter. Criteria: GeneDx Variant Classification Process June 2021. Collection method: clinical testing. Allele origin: germline. Affected: yes.
Comment: Nonsense variant predicted to result in protein truncation as the last 931 amino acids are lost, although loss-of-function variants have not been reported downstream of this position in the protein; Has not been previously published as pathogenic or benign to our knowledge; Not observed at significant frequency in large population cohorts (gnomAD); This variant is associated with the following publications: (PMID: 28545555)